The following is an entry in ClinVar:

ClinVar aggregate classification (germline): Likely benign (1 of 4 stars; one submission).

gnomAD v4.1: 6 of 1,533,998 alleles (0.00039%); highest among the groups gnomAD compares: Non-Finnish European, 0.00017%; no homozygotes.

Submission:

CeGaT Center for Human Genetics Tuebingen
Classification: Likely benign. Last evaluated: 2022-12-01. Review status: criteria provided, single submitter. Criteria: CeGaT Center For Human Genetics Tuebingen Variant Classification Criteria Version 2. Collection method: clinical testing. Allele origin: germline. Affected: yes. Observed: 1 variant allele.
Comment: KIF26A: BP4, BP7

NM_015656.2(KIF26A):c.4794G>A (p.Val1598=)

Gene: KIF26A (kinesin family member 26A; plus strand). Cytogenetic location: 14q32.33.
Variant type: single nucleotide variant.
Coding change: c.4794G>A on transcript NM_015656.2 (MANE Select); coding-DNA position 4794, G replaced by A.
Protein change: p.Val1598=; no amino-acid change (valine 1598 retained).
Molecular consequence: synonymous variant.
Genome position (GRCh38, 1-based): chr14:104,177,582, G>A. VCF-style: chr14-104177582-G-A. GRCh37 (hg19) VCF-style: chr14-104643919-G-A.
Identifiers: ClinVar variation 2644611 (VCV002644611.24), dbSNP rs530446802, ClinGen allele CA488714744.